The following is an entry in ClinVar:

ClinVar aggregate classification (germline): Uncertain significance. Review status: criteria provided, multiple submitters, no conflicts (2 of 4 stars). 2 submissions from 2 submitters: Uncertain significance (2). Last evaluated 2024-06-04.

Conditions:
Spermatogenic failure 18. Identifiers: MedGen C4539783, MONDO:0054615, OMIM 617576.
Ciliary dyskinesia, primary, 37 (CILD37). Also called: CILIARY DYSKINESIA, PRIMARY, 37, WITH OR WITHOUT SITUS INVERSUS. Identifiers: MedGen C4539798, MONDO:0033204, OMIM 617577.

gnomAD v4.1: 1 of 1,613,332 alleles (0.000062%); highest among the groups gnomAD compares: African/African-American, 0.0013%; no homozygotes.

Submissions (2):

Fulgent Genetics
Classification: Uncertain significance for Spermatogenic failure 18; Ciliary dyskinesia, primary, 37. Last evaluated: 2024-06-04. Review status: criteria provided, single submitter. Criteria: ACMG Guidelines, 2015. Collection method: clinical testing. Allele origin: germline.

Labcorp Genetics (formerly Invitae), Labcorp
Classification: Uncertain significance for Ciliary dyskinesia, primary, 37; Spermatogenic failure 18. Last evaluated: 2024-06-03. Review status: criteria provided, single submitter. Criteria: Invitae Variant Classification Sherloc (09022015). Collection method: clinical testing. Allele origin: germline.
Comment: This sequence change affects codon 3608 of the DNAH1 mRNA. It is a 'silent' change, meaning that it does not change the encoded amino acid sequence of the DNAH1 protein. It affects a nucleotide within the consensus splice site. This variant is not present in population databases (gnomAD no frequency). This variant has not been reported in the literature in individuals affected with DNAH1-related conditions. Algorithms developed to predict the effect of sequence changes on RNA splicing suggest that this variant may disrupt the consensus splice site. In summary, the available evidence is currently insufficient to determine the role of this variant in disease. Therefore, it has been classified as a Variant of Uncertain Significance.

NM_015512.5(DNAH1):c.10824G>A (p.Arg3608=)

Gene: DNAH1 (dynein axonemal heavy chain 1; plus strand). Cytogenetic location: 3p21.1.
Variant type: single nucleotide variant.
Coding change: c.10824G>A on transcript NM_015512.5 (MANE Select); coding-DNA position 10824, G replaced by A.
Protein change: p.Arg3608=; no amino-acid change (arginine 3608 retained).
Molecular consequence: synonymous variant.
Genome position (GRCh38, 1-based): chr3:52,394,915, G>A. VCF-style: chr3-52394915-G-A. GRCh37 (hg19) VCF-style: chr3-52428931-G-A.
Identifiers: ClinVar variation 3589465 (VCV003589465.3).